The following is an entry in ClinVar:

NM_183050.4(BCKDHB):c.171G>C (p.Gln57His)

Gene: BCKDHB (branched chain keto acid dehydrogenase E1 subunit beta; plus strand). Cytogenetic location: 6q14.1.
Variant type: single nucleotide variant.
Coding change: c.171G>C on transcript NM_183050.4 (MANE Select); coding-DNA position 171, G replaced by C.
Protein change: p.Gln57His; replaces glutamine 57 with histidine.
Molecular consequence: missense variant. On other transcripts: non-coding transcript variant (1), intron variant (1).
Genome position (GRCh38, 1-based): chr6:80,106,864, G>C. VCF-style: chr6-80106864-G-C. GRCh37 (hg19) VCF-style: chr6-80816581-G-C.
Other names: c.171G>C, p.Gln57His (NM_000056.5); c.-15+181G>C (NM_001318975.1); short protein forms Q57H.
Identifiers: ClinVar variation 1400559 (VCV001400559.8), dbSNP rs773031829, ClinGen allele CA364658403.
Genomic context (GRCh38, chr6:80,106,864, plus strand): 5'-CCCCGCCGCGACTGTCGAGGATGCGGCCCAGAGGCGGCAGGTGGCTCATTTTACTTTCCA[G>C]CCAGATCCGGAGCCCCGGGAGTACGGTGAGCCCTGGGACTGCCCACTCGGTCCCGCTGCA-3'
Protein context (NP_898871.1, residues 47-67): QRRQVAHFTF[Gln57His]PDPEPREYGQ

ClinVar aggregate classification (germline): Uncertain significance (1 of 4 stars; one submission).

Conditions:
Maple syrup urine disease (MSUD). Identifiers: Orphanet 511, MedGen C0024776, MeSH D008375, MONDO:0009563. Disease mechanism: loss of function.

Submission:

Labcorp Genetics (formerly Invitae), Labcorp
Classification: Uncertain significance for Maple syrup urine disease. Last evaluated: 2021-12-02. Review status: criteria provided, single submitter. Criteria: Invitae Variant Classification Sherloc (09022015). Collection method: clinical testing. Allele origin: germline.
Comment: This sequence change replaces glutamine, which is neutral and polar, with histidine, which is basic and polar, at codon 57 of the BCKDHB protein (p.Gln57His). This variant is not present in population databases (gnomAD no frequency). This variant has not been reported in the literature in individuals affected with BCKDHB-related conditions. Algorithms developed to predict the effect of missense changes on protein structure and function output the following: SIFT: "Tolerated"; PolyPhen-2: "Benign"; Align-GVGD: "Class C0". The histidine amino acid residue is found in multiple mammalian species, which suggests that this missense change does not adversely affect protein function. In summary, the available evidence is currently insufficient to determine the role of this variant in disease. Therefore, it has been classified as a Variant of Uncertain Significance.